The following is an entry in ClinVar:

NM_006767.4(LZTR1):c.1340T>C (p.Phe447Ser)

Gene: LZTR1 (leucine zipper like post translational regulator 1; plus strand). Cytogenetic location: 22q11.21.
Variant type: single nucleotide variant.
Coding change: c.1340T>C on transcript NM_006767.4 (MANE Select); coding-DNA position 1340, T replaced by C.
Protein change: p.Phe447Ser; replaces phenylalanine 447 with serine.
Molecular consequence: missense variant.
Genome position (GRCh38, 1-based): chr22:20,993,741, T>C. VCF-style: chr22-20993741-T-C. GRCh37 (hg19) VCF-style: chr22-21348030-T-C.
Other names: short protein forms F447S.
Identifiers: ClinVar variation 2902368 (VCV002902368.3), dbSNP rs2518620059, ClinGen allele CA410774710.

ClinVar aggregate classification (germline): Uncertain significance (1 of 4 stars; one submission).

Submission:

Labcorp Genetics (formerly Invitae), Labcorp
Classification: Uncertain significance. Last evaluated: 2023-12-12. Review status: criteria provided, single submitter. Criteria: Invitae Variant Classification Sherloc (09022015). Collection method: clinical testing. Allele origin: germline.
Comment: This sequence change replaces phenylalanine, which is neutral and non-polar, with serine, which is neutral and polar, at codon 447 of the LZTR1 protein (p.Phe447Ser). This variant is not present in population databases (gnomAD no frequency). This variant has not been reported in the literature in individuals affected with LZTR1-related conditions. Advanced modeling of protein sequence and biophysical properties (such as structural, functional, and spatial information, amino acid conservation, physicochemical variation, residue mobility, and thermodynamic stability) performed at Invitae indicates that this missense variant is not expected to disrupt LZTR1 protein function with a negative predictive value of 80%. In summary, the available evidence is currently insufficient to determine the role of this variant in disease. Therefore, it has been classified as a Variant of Uncertain Significance.